The following is an entry in ClinVar:

ClinVar aggregate classification (germline): Conflicting classifications of pathogenicity. Review status: criteria provided, conflicting classifications (1 of 4 stars). 3 submissions from 3 submitters: Likely pathogenic (1); Uncertain significance (2). Last evaluated 2026-04-14.

Conditions:
Progressive familial intrahepatic cholestasis type 2. Identifiers: Orphanet 79304, MedGen C3489789, MONDO:0011156, OMIM 601847.
Benign recurrent intrahepatic cholestasis type 2 (BRIC2). Also called: Recurrent familial intrahepatic cholestasis 2. Identifiers: Orphanet 65682, Orphanet 99961, MedGen C2608083, MONDO:0011559, OMIM 605479.
Familial intrahepatic cholestasis. Identifiers: Orphanet 284385, MedGen CN296401, MONDO:0017290.

gnomAD v4.1: 18 of 1,576,286 alleles (0.0011%); highest among the groups gnomAD compares: East Asian, 0.04%; no homozygotes.

Submissions (3):

Genomenon, Inc
Classification: Uncertain significance for Familial intrahepatic cholestasis. Last evaluated: 2026-04-14. Review status: criteria provided, single submitter. Criteria: Genomenon Sequence Variant Interpretation Standards - Updated. Collection method: curation. Allele origin: germline. Affected: yes.
Comment: ABCB11 c.76+29T>G is an intronic variant located in intron 2. This variant has been observed in at least one proband with an ABCB11-related disorder (PMID:35490150). It has been observed in trans with a pathogenic or likely pathogenic variant (PMID:35490150). At least one splicing study has demonstrated that this variant results in aberrant splicing (PMID:35490150). It is absent or not present at a significant frequency in gnomAD. In conclusion, we classify ABCB11 c.76+29T>G as a variant of uncertain significance.

Broad Center for Mendelian Genomics, Broad Institute of MIT and Harvard
Classification: Uncertain significance for Progressive familial intrahepatic cholestasis type 2. Last evaluated: 2025-02-04. Review status: criteria provided, single submitter. Criteria: ACMG Guidelines, 2015. Collection method: curation. Allele origin: germline. Inheritance: Autosomal recessive inheritance.
Comment: The c.76+29T>G variant in ABCB11 has been reported, in the compound heterozygous state, in 1 individual with BSEP deficiency (PMID: 35490150), and has been identified in 0.04% (18/44666) of East Asian chromosomes by the Genome Aggregation Database (gnomAD; dbSNP rs925493324). Although this variant has been seen in the general population in a heterozygous state, its frequency is not high enough to rule out a pathogenic role. A minigene splicing assay showed intron inclusion of 42 base pairs in-frame (PMID:35490150). In summary, the clinical significance of the c.76+29T>G variant is uncertain. ACMG/AMP Criteria applied: PM3, PVS1_moderate (Richards 2015).

Fulgent Genetics
Classification: Likely pathogenic for Progressive familial intrahepatic cholestasis type 2; Benign recurrent intrahepatic cholestasis type 2. Last evaluated: 2024-02-21. Review status: criteria provided, single submitter. Criteria: ACMG Guidelines, 2015. Collection method: clinical testing. Allele origin: germline.

Literature cited by the submitters: PubMed 35490150 (cited by Genomenon, Inc).

NM_003742.4(ABCB11):c.76+29T>G

Gene: ABCB11 (ATP binding cassette subfamily B member 11; minus strand). Cytogenetic location: 2q31.1.
Variant type: single nucleotide variant.
Coding change: c.76+29T>G on transcript NM_003742.4 (MANE Select); 29 bases into the intron after coding-DNA position 76, T replaced by G.
Molecular consequence: intron variant.
Genome position (GRCh38, 1-based): chr2:169,018,021, A>C on the plus strand (T>G on the coding strand, the complement: ABCB11 is on the minus strand). VCF-style: chr2-169018021-A-C. GRCh37 (hg19) VCF-style: chr2-169874531-A-C.
Identifiers: ClinVar variation 3584660 (VCV003584660.3).